The following is an entry in ClinVar:

ClinVar aggregate classification (germline): Benign/Likely benign. Review status: criteria provided, multiple submitters, no conflicts (2 of 4 stars). 11 submissions from 10 submitters: Benign (1); Likely benign (9). 1 of the submissions does not count toward it. Last evaluated 2026-02-03.

Conditions:
DYNC1H1-related disorder. Also called: DYNC1H1-related condition; DYNC1H1-related disorders. Identifiers: MedGen CN381529.
Charcot-Marie-Tooth disease axonal type 2O. Also called: Charcot-Marie-Tooth Neuropathy Type 2O; Charcot-Marie-Tooth disease, axonal, type 20; CHARCOT-MARIE-TOOTH NEUROPATHY, AXONAL, TYPE 2O; CHARCOT-MARIE-TOOTH DISEASE, AXONAL, AUTOSOMAL DOMINANT, TYPE 2O. Identifiers: Orphanet 284232, MedGen C3280220, MONDO:0013644, OMIM 614228.
Inborn genetic diseases. Identifiers: MedGen C0950123, MeSH D030342.
Autosomal dominant cerebellar ataxia. Also called: Spinocerebellar Ataxia, Dominant. Identifiers: Orphanet 99, MedGen C4087347, MONDO:0020380.
Charcot-Marie-Tooth disease. Also called: Charcot-Marie-Tooth Neuropathy; Charcot-Marie-Tooth Hereditary Neuropathy. Identifiers: Orphanet 166, MedGen C0007959, MONDO:0015626.
Cortical dysplasia, complex, with other brain malformations 13. Also called: Intellectual disability, autosomal dominant 13. Identifiers: MedGen C3281202, MONDO:0013805, OMIM 614563.
Autosomal dominant childhood-onset proximal spinal muscular atrophy without contractures. Also called: KUGELBERG-WELANDER SYNDROME, AUTOSOMAL DOMINANT; SPINAL MUSCULAR ATROPHY, JUVENILE, PROXIMAL, AUTOSOMAL DOMINANT; Spinal muscular atrophy, lower extremity-predominant 1, AD; SPINAL MUSCULAR ATROPHY, CHILDHOOD, PROXIMAL, AUTOSOMAL DOMINANT. Identifiers: Orphanet 209341, Orphanet 363447, MedGen C5780022, MONDO:0008026, OMIM 158600.

Allele frequency attached by ClinVar (database versions not stated): ESP Exome Variant Server 0.00015; 1000 Genomes Project 30x 0.00016; 1000 Genomes Project 0.00020; gnomAD 0.00031 and 0.00056; gnomAD exomes 0.00034 and 0.00051; ExAC 0.00037; TOPMed 0.00073.
gnomAD v4.1: 817 of 1,614,120 alleles (0.051%); highest among the groups gnomAD compares: Admixed American, 0.08%; 2 homozygotes.

Submissions (11):

Labcorp Genetics (formerly Invitae), Labcorp
Classification: Likely benign for Charcot-Marie-Tooth disease axonal type 2O. Last evaluated: 2026-02-03. Review status: criteria provided, single submitter. Criteria: Invitae Variant Classification Sherloc (09022015). Collection method: clinical testing. Allele origin: germline.

CeGaT Center for Human Genetics Tuebingen
Classification: Likely benign. Last evaluated: 2025-08-01. Review status: criteria provided, single submitter. Criteria: CeGaT Center For Human Genetics Tuebingen Variant Classification Criteria Version 2. Collection method: clinical testing. Allele origin: germline. Affected: yes. Observed: 3 variant alleles.
Comment: DYNC1H1: BP4, BP7

Blueprint Genetics
Classification: Likely benign. Last evaluated: 2024-11-27. Review status: criteria provided, single submitter. Criteria: ACMG Guidelines, 2015. Collection method: clinical testing. Allele origin: germline.

Athena Diagnostics
Classification: Benign. Last evaluated: 2024-05-21. Review status: criteria provided, single submitter. Criteria: Athena Diagnostics Criteria. Collection method: clinical testing. Allele origin: unknown.

Fulgent Genetics
Classification: Likely benign for Autosomal dominant childhood-onset proximal spinal muscular atrophy without contractures; Charcot-Marie-Tooth disease axonal type 2O; Cortical dysplasia, complex, with other brain malformations 13. Last evaluated: 2022-04-21. Review status: criteria provided, single submitter. Criteria: ACMG Guidelines, 2015. Collection method: clinical testing. Allele origin: unknown.

GeneDx
Classification: Likely benign. Last evaluated: 2021-02-23. Review status: criteria provided, single submitter. Criteria: GeneDx Variant Classification Process June 2021. Collection method: clinical testing. Allele origin: germline. Affected: yes.

Illumina Laboratory Services, Illumina
Classification: Likely benign for Charcot-Marie-Tooth disease axonal type 2O. Last evaluated: 2018-01-13. Review status: criteria provided, single submitter. Criteria: ICSL Variant Classification Criteria 13 December 2019. Collection method: clinical testing. Allele origin: germline.
Comment: This variant was observed in the ICSL laboratory as part of a predisposition screen in an ostensibly healthy population. It had not been previously curated by ICSL or reported in the Human Gene Mutation Database (HGMD: prior to June 1st, 2018), and was therefore a candidate for classification through an automated scoring system. Utilizing variant allele frequency, disease prevalence and penetrance estimates, and inheritance mode, an automated score was calculated to assess if this variant is too frequent to cause the disease. Based on the score and internal cut-off values, a variant classified as likely benign is not then subjected to further curation. The score for this variant resulted in a classification of likely benign for this disease.

Illumina Laboratory Services, Illumina
Classification: Likely benign for Spinocerebellar Ataxia, Dominant. Last evaluated: 2018-01-13. Review status: criteria provided, single submitter. Criteria: ICSL Variant Classification Criteria 13 December 2019. Collection method: clinical testing. Allele origin: germline.
Comment: the same text as in the submission from Illumina Laboratory Services, Illumina above.

Ambry Genetics
Classification: Likely benign for Inborn genetic diseases. Last evaluated: 2017-05-24. Review status: criteria provided, single submitter. Criteria: Ambry Variant Classification Scheme 2023. Collection method: clinical testing. Allele origin: germline.

Molecular Genetics Laboratory, London Health Sciences Centre
Classification: Likely benign for Charcot-Marie-Tooth disease. Review status: criteria provided, single submitter. Criteria: ACMG Guidelines, 2015. Collection method: clinical testing. Allele origin: germline. Affected: yes.

PreventionGenetics, part of Exact Sciences
Classification: Likely benign for DYNC1H1-related condition. Last evaluated: 2021-12-30. Review status: no assertion criteria provided. Collection method: clinical testing. Allele origin: germline. Not counted in ClinVar's aggregate classification.
Comment: This variant is classified as likely benign based on ACMG/AMP sequence variant interpretation guidelines (Richards et al. 2015 PMID: 25741868, with internal and published modifications).

NM_001376.5(DYNC1H1):c.8784A>G (p.Gln2928=)

Gene: DYNC1H1 (dynein cytoplasmic 1 heavy chain 1; plus strand). Cytogenetic location: 14q32.31.
Variant type: single nucleotide variant.
Coding change: c.8784A>G on transcript NM_001376.5 (MANE Select); coding-DNA position 8784, A replaced by G.
Protein change: p.Gln2928=; no amino-acid change (glutamine 2928 retained).
Molecular consequence: synonymous variant.
Genome position (GRCh38, 1-based): chr14:102,027,186, A>G. VCF-style: chr14-102027186-A-G. GRCh37 (hg19) VCF-style: chr14-102493523-A-G.
Identifiers: ClinVar variation 312642 (VCV000312642.53), dbSNP rs149753029, ClinGen allele CA7353122.
Genomic context (GRCh38, chr14:102,027,186, plus strand): 5'-ATGAGGCATTATAAGCCTTAACATTGATCAGTTCTCGTAATGTTTCAGAATATTCCGTCA[A>G]CCTCAAGGCCACTTGCTTCTGATTGGTGTTAGTGGAGCAGGAAAAACTACCCTGTCTCGT-3'
Protein context (NP_001367.2, residues 2918-2938): HVLRIDRIFR[Gln2928=]PQGHLLLIGV